The following is an entry in ClinVar:

NM_012424.6(RPS6KC1):c.2024A>T (p.Asp675Val)

Gene: RPS6KC1 (ribosomal protein S6 kinase C1; plus strand). Cytogenetic location: 1q32.3.
Variant type: single nucleotide variant.
Coding change: c.2024A>T on transcript NM_012424.6 (MANE Select); coding-DNA position 2024, A replaced by T.
Protein change: p.Asp675Val; replaces aspartic acid 675 with valine.
Molecular consequence: missense variant. On other transcripts: non-coding transcript variant (4).
Genome position (GRCh38, 1-based): chr1:213,241,500, A>T. VCF-style: chr1-213241500-A-T. GRCh37 (hg19) VCF-style: chr1-213414843-A-T.
Other names: c.629A>T, p.Asp210Val (NM_001287220.3, NM_001349663.2, NM_001349664.2 and 8 more transcripts); c.1481A>T, p.Asp494Val (NM_001287221.3, NM_001349648.2, NM_001349649.2 and 4 more transcripts); c.1931A>T, p.Asp644Val (NM_001349646.2); c.1661A>T, p.Asp554Val (NM_001349647.2); c.1988A>T, p.Asp663Val (NM_001136138.4); c.1388A>T, p.Asp463Val (NM_001287218.3, NM_001287219.3, NM_001349654.2); c.1133A>T, p.Asp378Val (NM_001349657.2, NM_001349658.2); c.968A>T, p.Asp323Val (NM_001349659.2, NM_001349660.2, NM_001349661.2 and 1 more transcripts); short protein forms D323V, D494V, D554V, D675V, D210V, D378V, D644V, D463V.
Identifiers: ClinVar variation 5028431 (VCV005028431.1).

ClinVar aggregate classification (germline): Uncertain significance (1 of 4 stars; one submission).

gnomAD v4.1: 3 of 1,613,850 alleles (0.00019%); highest among the groups gnomAD compares: Non-Finnish European, 0.00025%; no homozygotes.

Submission:

Ambry Genetics
Classification: Uncertain significance. Last evaluated: 2026-06-17. Review status: criteria provided, single submitter. Criteria: Ambry Variant Classification Scheme 2023. Collection method: clinical testing. Allele origin: germline.
Comment: The c.2024A>T (p.D675V) alteration is located in exon 11 (coding exon 11) of the RPS6KC1 gene. This alteration results from a A to T substitution at nucleotide position 2024, causing the aspartic acid (D) at amino acid position 675 to be replaced by a valine (V). Based on data from gnomAD, the T allele has an overall frequency of 0.003% (1/31394) total alleles studied. The highest observed frequency was 0.007% (1/15430) of European (non-Finnish) alleles. Based on insufficient or conflicting evidence, the clinical significance of this alteration remains unclear.